The following is an entry in ClinVar:

ClinVar aggregate classification (germline): Likely benign. Review status: criteria provided, multiple submitters, no conflicts (2 of 4 stars). 5 submissions from 5 submitters: Likely benign (5). Last evaluated 2025-09-15.

Conditions:
GATA2-related disorder. Also called: GATA2-Related Disorders; GATA2-related condition.
Monocytopenia with susceptibility to infections. Also called: Dendritic cell, monocyte, B lymphocyte, and natural killer lymphocyte deficiency; MONOCYTOPENIA AND MYCOBACTERIAL INFECTION SYNDROME; MONOCYTOPENIA WITH SUSCEPTIBILITY TO MYCOBACTERIAL, FUNGAL, AND PAPILLOMAVIRUS INFECTIONS AND MYELODYSPLASIA; COMBINED IMMUNODEFICIENCY WITH SUSCEPTIBILITY TO MYCOBACTERIAL, VIRAL, AND FUNGAL INFECTIONS; IMMUNODEFICIENCY 21; GATA2 DEFICIENCY. Identifiers: Orphanet 228423, MedGen C3280030, MONDO:0013607, OMIM 614172.
Deafness-lymphedema-leukemia syndrome. Also called: Lymphedema, primary, with myelodysplasia; Emberger syndrome. Identifiers: Orphanet 3226, MedGen C3279664, MONDO:0013540, OMIM 614038.
Inborn genetic diseases. Identifiers: MedGen C0950123, MeSH D030342.

Allele frequency attached by ClinVar (database versions not stated): TOPMed below 0.00001; gnomAD exomes 0.00002 and 0.00008; ExAC 0.00014.
gnomAD v4.1: 26 of 1,560,788 alleles (0.0017%); highest among the groups gnomAD compares: Middle Eastern, 0.29%; no homozygotes.

Submissions (5):

Labcorp Genetics (formerly Invitae), Labcorp
Classification: Likely benign for Monocytopenia with susceptibility to infections; Deafness-lymphedema-leukemia syndrome. Last evaluated: 2025-09-15. Review status: criteria provided, single submitter. Criteria: Invitae Variant Classification Sherloc (09022015). Collection method: clinical testing. Allele origin: germline.

Blueprint Genetics
Classification: Likely benign. Last evaluated: 2024-11-20. Review status: criteria provided, single submitter. Criteria: ACMG Guidelines, 2015. Collection method: clinical testing. Allele origin: germline.

PreventionGenetics, part of Exact Sciences
Classification: Likely benign for GATA2-related condition. Last evaluated: 2024-10-07. Review status: criteria provided, single submitter. Criteria: ACMG Guidelines, 2015. Collection method: clinical testing. Allele origin: germline.
Comment: This variant is classified as likely benign based on ACMG/AMP sequence variant interpretation guidelines (Richards et al. 2015 PMID: 25741868, with internal and published modifications).

Ambry Genetics
Classification: Likely benign for Inborn genetic diseases. Last evaluated: 2024-08-21. Review status: criteria provided, single submitter. Criteria: Ambry Variant Classification Scheme 2023. Collection method: clinical testing. Allele origin: germline.

Genetic Services Laboratory, University of Chicago
Classification: Likely benign. Last evaluated: 2021-08-06. Review status: criteria provided, single submitter. Criteria: ACMG Guidelines, 2015. Collection method: clinical testing. Allele origin: germline. Affected: no.

NM_032638.5(GATA2):c.375A>C (p.Pro125=)

Gene: GATA2 (GATA binding protein 2; minus strand). Cytogenetic location: 3q21.3.
Variant type: single nucleotide variant.
Coding change: c.375A>C on transcript NM_032638.5 (MANE Select); coding-DNA position 375, A replaced by C.
Protein change: p.Pro125=; no amino-acid change (proline 125 retained).
Molecular consequence: synonymous variant.
Genome position (GRCh38, 1-based): chr3:128,486,223, T>G on the plus strand (A>C on the coding strand, the complement: GATA2 is on the minus strand). VCF-style: chr3-128486223-T-G. GRCh37 (hg19) VCF-style: chr3-128205066-T-G.
Other names: c.375A>C, p.Pro125= (NM_001145661.2, NM_001145662.1); c.375A>C (NM_001145661.1).
Identifiers: ClinVar variation 412750 (VCV000412750.18), dbSNP rs763281230, ClinGen allele CA2600037.